The following is an entry in ClinVar:

NM_004341.5(CAD):c.1540G>A (p.Asp514Asn)

Gene: CAD (carbamoyl-phosphate synthetase 2, aspartate transcarbamylase, and dihydroorotase; plus strand). Cytogenetic location: 2p23.3.
Variant type: single nucleotide variant.
Coding change: c.1540G>A on transcript NM_004341.5 (MANE Select); coding-DNA position 1540, G replaced by A.
Protein change: p.Asp514Asn; replaces aspartic acid 514 with asparagine.
Molecular consequence: missense variant.
Genome position (GRCh38, 1-based): chr2:27,225,163, G>A. VCF-style: chr2-27225163-G-A. GRCh37 (hg19) VCF-style: chr2-27448031-G-A.
Other names: c.1540G>A, p.Asp514Asn (NM_001306079.2); short protein forms D514N.
Identifiers: ClinVar variation 2630121 (VCV002630121.1), dbSNP rs2465299750, ClinGen allele CA346205054.
Genomic context (GRCh38, chr2:27,225,163, plus strand): 5'-CTGGCTCGGTATGGGGTCCGGGTCCTGGGCACACCAGTGGAGACCATTGAGCTGACCGAG[G>A]ATCGACGGGCCTTTGCTGCCAGAATGGCAGAGATCGGAGAGCATGTGGCCCCGAGCGAGG-3'
Protein context (NP_004332.2, residues 504-524): TPVETIELTE[Asp514Asn]RRAFAARMAE

ClinVar aggregate classification (germline): Uncertain significance (1 of 4 stars; one submission).

Conditions:
CAD-related disorder. Also called: CAD-related condition.

Allele frequency attached by ClinVar (database versions not stated): gnomAD exomes below 0.00001.
gnomAD v4.1: 2 of 1,614,204 alleles (0.00012%); highest among the groups gnomAD compares: East Asian, 0.0045%; no homozygotes.

Submission:

PreventionGenetics, part of Exact Sciences
Classification: Uncertain significance for CAD-related condition. Last evaluated: 2023-02-17. Review status: criteria provided, single submitter. Criteria: ACMG Guidelines, 2015. Collection method: clinical testing. Allele origin: germline.
Comment: The CAD c.1540G>A variant is predicted to result in the amino acid substitution p.Asp514Asn. To our knowledge, this variant has not been reported in the literature or in a large population database, indicating this variant is rare. At this time, the clinical significance of this variant is uncertain due to the absence of conclusive functional and genetic evidence.